The following is an entry in ClinVar:

ClinVar aggregate classification (germline): Uncertain significance (0 of 4 stars; one submission).

Conditions:
TTC8-related disorder. Also called: TTC8-related condition.

gnomAD v4.1: 9 of 1,613,970 alleles (0.00056%); highest among the groups gnomAD compares: South Asian, 0.0022%; no homozygotes.

Submission:

PreventionGenetics, part of Exact Sciences
Classification: Uncertain significance for TTC8-related condition. Last evaluated: 2024-08-02. Review status: no assertion criteria provided. Collection method: clinical testing. Allele origin: germline.
Comment: The TTC8 c.1153C>T variant is predicted to result in the amino acid substitution p.Arg385Cys. To our knowledge, this variant has not been reported in the literature. This variant is reported in 0.0040% of alleles in individuals of African descent in gnomAD. At this time, the clinical significance of this variant is uncertain due to the absence of conclusive functional and genetic evidence.

NM_144596.4(TTC8):c.1153C>T (p.Arg385Cys)

Gene: TTC8 (tetratricopeptide repeat domain 8; plus strand). Cytogenetic location: 14q31.3.
Variant type: single nucleotide variant.
Coding change: c.1153C>T on transcript NM_144596.4 (MANE Select); coding-DNA position 1153, C replaced by T.
Protein change: p.Arg385Cys; replaces arginine 385 with cysteine.
Molecular consequence: missense variant. On other transcripts: non-coding transcript variant (1).
Genome position (GRCh38, 1-based): chr14:88,871,652, C>T. VCF-style: chr14-88871652-C-T. GRCh37 (hg19) VCF-style: chr14-89337996-C-T.
Other names: c.1201C>T, p.Arg401Cys (NM_001288781.1); c.559C>T, p.Arg187Cys (NM_001288782.1); c.436C>T, p.Arg146Cys (NM_001288783.1); c.1123C>T, p.Arg375Cys (NM_001366535.2, NM_198309.3); c.1033C>T, p.Arg345Cys (NM_001366536.2, NM_198310.3); short protein forms R146C, R187C, R345C, R375C, R385C, R401C.
Identifiers: ClinVar variation 3355416 (VCV003355416.1).